The following is an entry in ClinVar:

ClinVar aggregate classification (germline): Uncertain significance (1 of 4 stars; one submission).

Submission:

Labcorp Genetics (formerly Invitae), Labcorp
Classification: Uncertain significance. Last evaluated: 2020-01-16. Review status: criteria provided, single submitter. Criteria: Invitae Variant Classification Sherloc (09022015). Collection method: clinical testing. Allele origin: germline.
Comment: In summary, the available evidence is currently insufficient to determine the role of this variant in disease. Therefore, it has been classified as a Variant of Uncertain Significance. Algorithms developed to predict the effect of missense changes on protein structure and function are either unavailable or do not agree on the potential impact of this missense change (SIFT: "Deleterious"; PolyPhen-2: "Probably Damaging"; Align-GVGD: "Class C0"). This variant has not been reported in the literature in individuals with RBM10-related conditions. This variant is not present in population databases (ExAC no frequency). This sequence change replaces histidine with tyrosine at codon 784 of the RBM10 protein (p.His784Tyr). The histidine residue is highly conserved and there is a moderate physicochemical difference between histidine and tyrosine.

NM_005676.5(RBM10):c.2350C>T (p.His784Tyr)

Gene: RBM10 (RNA binding motif protein 10; plus strand). Cytogenetic location: Xp11.3.
Variant type: single nucleotide variant.
Coding change: c.2350C>T on transcript NM_005676.5 (MANE Select); coding-DNA position 2350, C replaced by T.
Protein change: p.His784Tyr; replaces histidine 784 with tyrosine.
Molecular consequence: missense variant.
Genome position (GRCh38, 1-based): chrX:47,185,625, C>T. VCF-style: chrX-47185625-C-T. GRCh37 (hg19) VCF-style: chrX-47045024-C-T.
Other names: c.2119C>T, p.His707Tyr (NM_001204466.2); c.2347C>T, p.His783Tyr (NM_001204467.2); c.2545C>T, p.His849Tyr (NM_001204468.2); c.2116C>T, p.His706Tyr (NM_152856.3); short protein forms H707Y, H783Y, H706Y, H784Y, H849Y.
Identifiers: ClinVar variation 1040503 (VCV001040503.10), dbSNP rs1935849367, ClinGen allele CA412808142.